The following is an entry in ClinVar:

NM_006267.5(RANBP2):c.637-18G>A

Gene: RANBP2 (RAN binding protein 2; plus strand). Cytogenetic location: 2q13.
Variant type: single nucleotide variant.
Coding change: c.637-18G>A on transcript NM_006267.5 (MANE Select); 18 bases into the intron before coding-DNA position 637, G replaced by A.
Molecular consequence: intron variant.
Genome position (GRCh38, 1-based): chr2:108,736,086, G>A. VCF-style: chr2-108736086-G-A. GRCh37 (hg19) VCF-style: chr2-109352542-G-A.
Identifiers: ClinVar variation 380027 (VCV000380027.9), dbSNP rs826577, ClinGen allele CA1822091.

ClinVar aggregate classification (germline): Benign. Review status: criteria provided, multiple submitters, no conflicts (2 of 4 stars). 3 submissions from 3 submitters: Benign (3). Last evaluated 2025-10-21.

Conditions:
Familial acute necrotizing encephalopathy (IIAE3). Also called: ENCEPHALOPATHY, ACUTE, INFECTION-INDUCED, SUSCEPTIBILITY TO, 3; Susceptibility to Acute Necrotizing Encephalopathy 1. Identifiers: Orphanet 88619, MedGen C2675556, MONDO:0011953, OMIM 608033.

Allele frequency attached by ClinVar (database versions not stated): gnomAD exomes 0.24515 and 0.24834; ExAC 0.26653; ESP Exome Variant Server 0.32152; gnomAD 0.36762 and 0.37494; TOPMed 0.38174; 1000 Genomes Project 0.38299; 1000 Genomes Project 30x 0.39272.
gnomAD v4.1: 401,771 of 1,558,478 alleles (26%); highest among the groups gnomAD compares: African/African-American, 72%; 66,272 homozygotes.

Submissions (3):

Labcorp Genetics (formerly Invitae), Labcorp
Classification: Benign for Familial acute necrotizing encephalopathy. Last evaluated: 2025-10-21. Review status: criteria provided, single submitter. Criteria: Invitae Variant Classification Sherloc (09022015). Collection method: clinical testing. Allele origin: germline.

GeneDx
Classification: Benign. Last evaluated: 2016-01-05. Review status: criteria provided, single submitter. Criteria: GeneDx Variant Classification (06012015). Collection method: clinical testing. Allele origin: germline. Affected: yes.
Comment: This variant is considered likely benign or benign based on one or more of the following criteria: it is a conservative change, it occurs at a poorly conserved position in the protein, it is predicted to be benign by multiple in silico algorithms, and/or has population frequency not consistent with disease.

Breakthrough Genomics
Classification: Benign. Review status: criteria provided, single submitter. Criteria: ACMG Guidelines, 2015. Collection method: not provided. Allele origin: germline. Inheritance: Autosomal dominant inheritance. Affected: yes.